The following is an entry in ClinVar:

NM_000094.4(COL7A1):c.1967del (p.Gln656fs)

Gene: COL7A1 (collagen type VII alpha 1 chain; minus strand). Cytogenetic location: 3p21.31.
Variant type: Deletion.
Coding change: c.1967del on transcript NM_000094.4 (MANE Select); coding-DNA position 1967, one base deleted (A; older notation c.1967delA).
Protein change: p.Gln656fs; shifts the reading frame from glutamine 656.
Molecular consequence: frameshift variant.
Genome position (GRCh38, 1-based): chr3:48,590,296, T deleted on the plus strand (A on the coding strand, the reverse complement: COL7A1 is on the minus strand). VCF-style (leftmost placement, unchanged base first): chr3-48590295-CT-C. GRCh37 (hg19) VCF-style: chr3-48627728-CT-C.
Other names: c.1967delA, p.Gln656Argfs (NM_000094.3); short protein forms Q656fs.
Identifiers: ClinVar variation 4817359 (VCV004817359.1).

ClinVar aggregate classification (germline): Likely pathogenic (1 of 4 stars; one submission).

Conditions:
Epidermolysis bullosa dystrophica. Also called: Dystrophic epidermolysis bullosa, Hallopeau-Siemens type (formerly); Dystrophic epidermolysis bullosa. Identifiers: Orphanet 303, MedGen C0079294, MONDO:0006543.

Submission:

Natera, Inc.
Classification: Likely pathogenic for Dystrophic epidermolysis bullosa. Last evaluated: 2025-08-11. Review status: criteria provided, single submitter. Criteria: Natera Variant Classification Schema (03/2026). Collection method: clinical testing. Allele origin: germline.
Comment: The c.1967del variant in COL7A1 is a frameshift variant predicted to shift the reading frame beginning at codon 656 and leads to a stop codon 34 codons downstream. This variant is expected to result in nonsense mediated decay, truncation, or a dysfunctional protein product. This variant is rare in the general population with a frequency below the threshold expected for the associated phenotype(s). Given the available evidence, this variant is classified as Likely Pathogenic.